The following is an entry in ClinVar:

ClinVar aggregate classification (germline): Uncertain significance (1 of 4 stars; one submission).

Conditions:
Idiopathic generalized epilepsy. Also called: EIG; Generalised epilepsy. Identifiers: MedGen C0270850, MONDO:0005579, OMIM 600669.
Hyperaldosteronism, familial, type IV (HALD4). Also called: FH IV; ALDOSTERONISM, PRIMARY, AND HYPERTENSION. Identifiers: Orphanet 642671, MedGen C4310756, MONDO:0014875, OMIM 617027.

gnomAD v4.1: 1 of 1,554,980 alleles (0.000064%); highest among the groups gnomAD compares: Non-Finnish European, 0.000087%; no homozygotes.

Submission:

Labcorp Genetics (formerly Invitae), Labcorp
Classification: Uncertain significance for Idiopathic generalized epilepsy; Hyperaldosteronism, familial, type IV. Last evaluated: 2024-12-12. Review status: criteria provided, single submitter. Criteria: Invitae Variant Classification Sherloc (09022015). Collection method: clinical testing. Allele origin: germline.
Comment: This sequence change replaces isoleucine, which is neutral and non-polar, with methionine, which is neutral and non-polar, at codon 928 of the CACNA1H protein (p.Ile928Met). This variant is not present in population databases (gnomAD no frequency). This variant has not been reported in the literature in individuals affected with CACNA1H-related conditions. Invitae Evidence Modeling of protein sequence and biophysical properties (such as structural, functional, and spatial information, amino acid conservation, physicochemical variation, residue mobility, and thermodynamic stability) indicates that this missense variant is not expected to disrupt CACNA1H protein function with a negative predictive value of 80%. In summary, the available evidence is currently insufficient to determine the role of this variant in disease. Therefore, it has been classified as a Variant of Uncertain Significance.

NM_021098.3(CACNA1H):c.2784C>G (p.Ile928Met)

Gene: CACNA1H (calcium voltage-gated channel subunit alpha1 H; plus strand). Cytogenetic location: 16p13.3.
Variant type: single nucleotide variant.
Coding change: c.2784C>G on transcript NM_021098.3 (MANE Select); coding-DNA position 2784, C replaced by G.
Protein change: p.Ile928Met; replaces isoleucine 928 with methionine.
Molecular consequence: missense variant.
Genome position (GRCh38, 1-based): chr16:1,206,284, C>G. VCF-style: chr16-1206284-C-G. GRCh37 (hg19) VCF-style: chr16-1256284-C-G.
Other names: c.2784C>G, p.Ile928Met (NM_001005407.2); short protein forms I928M.
Identifiers: ClinVar variation 3757759 (VCV003757759.2).